The following is an entry in ClinVar:

ClinVar aggregate classification (germline): Pathogenic (1 of 4 stars; one submission).

Conditions:
Fabry disease. Also called: ALPHA-GALACTOSIDASE A DEFICIENCY; ANDERSON-FABRY DISEASE; CERAMIDE TRIHEXOSIDASE DEFICIENCY; GLA DEFICIENCY; HEREDITARY DYSTOPIC LIPIDOSIS; Angiokeratoma corporis diffusum. Identifiers: Orphanet 324, MedGen C0002986, MONDO:0010526, OMIM 301500, HP:0001071. Disease mechanism: Fabry disease is due to inactivating mutations in the X-linked GLA gene resulting in deficiency of the enzyme Alpha Galactosidase-A., loss of function.

Submission:

Genomenon, Inc
Classification: Pathogenic for Fabry disease. Last evaluated: 2026-09-08. Review status: criteria provided, single submitter. Criteria: Genomenon Sequence Variant Interpretation Standards - Updated. Collection method: curation. Allele origin: germline. Affected: yes.
Comment: GLA p.Tyr207Ter (c.621T>A) is a nonsense variant that introduces a premature stop codon at amino acid position 207 and is predicted to result in a truncated or absent protein product. This variant has been observed in at least one proband with clinical features consistent with Fabry disease (PMID:33844184;33915609;39859188). Functional or patient cell studies have been reported (PMID:33915609). It is absent or not present at a significant frequency in gnomAD. In conclusion, we classify GLA p.Tyr207Ter (c.621T>A) as a pathogenic variant.

Literature cited by the submitters: PubMed 33844184; PubMed 33915609; PubMed 39859188.

NM_000169.3(GLA):c.621T>A (p.Tyr207Ter)

Genes: GLA (galactosidase alpha; minus strand), RPL36A-HNRNPH2 (RPL36A-HNRNPH2 readthrough; plus strand). Cytogenetic location: Xq22.1.
Variant type: single nucleotide variant.
Coding change: c.621T>A on transcript NM_000169.3 (MANE Select); coding-DNA position 621, T replaced by A.
Protein change: p.Tyr207Ter; replaces tyrosine 207 with a stop codon.
Molecular consequence: nonsense. On other transcripts: non-coding transcript variant (2), intron variant (2).
Genome position (GRCh38, 1-based): chrX:101,400,684, A>T on the plus strand (T>A on the coding strand, the complement: GLA is on the minus strand). VCF-style: chrX-101400684-A-T. GRCh37 (hg19) VCF-style: chrX-100655672-A-T.
Other names: c.744T>A, p.Tyr248Ter (NM_001406747.1); c.621T>A, p.Tyr207Ter (NM_001406748.1); c.300+5227A>T (NM_001199973.2); c.177+8862A>T (NM_001199974.2); short protein forms Y207*, Y248*.
Identifiers: ClinVar variation 4087169 (VCV004087169.2), dbSNP rs730880449.
Genomic context (GRCh38, chrX:101,400,684, plus strand): 5'-CTATCAGTACAGTTCTATTGGATTCTGGGCTCACTATCTCACCTTTTGAAAGGGCCACAT[A>T]TAAAGAGGCCACTCACAGGAGTACACAATGCTTCTGCCAGTCCTATTCAGGGCCAAGGAC-3'